The following is an entry in ClinVar:

ClinVar aggregate classification (germline): Uncertain significance (1 of 4 stars; one submission).

Conditions:
Diffuse cerebral and cerebellar atrophy - intractable seizures - progressive microcephaly syndrome. Also called: Microcephaly, progressive, with seizures and cerebral and cerebellar atrophy. Identifiers: Orphanet 404437, MedGen C4014239, MONDO:0014335, OMIM 615760.

Allele frequency attached by ClinVar (database versions not stated): TOPMed below 0.00001.
gnomAD v4.1: 1 of 1,612,720 alleles (0.000062%); no homozygotes.

Submission:

Labcorp Genetics (formerly Invitae), Labcorp
Classification: Uncertain significance for Diffuse cerebral and cerebellar atrophy - intractable seizures - progressive microcephaly syndrome. Last evaluated: 2022-06-27. Review status: criteria provided, single submitter. Criteria: Invitae Variant Classification Sherloc (09022015). Collection method: clinical testing. Allele origin: germline.
Comment: In summary, the available evidence is currently insufficient to determine the role of this variant in disease. Therefore, it has been classified as a Variant of Uncertain Significance. Algorithms developed to predict the effect of missense changes on protein structure and function (SIFT, PolyPhen-2, Align-GVGD) all suggest that this variant is likely to be tolerated. This variant has not been reported in the literature in individuals affected with QARS-related conditions. This variant is not present in population databases (gnomAD no frequency). This sequence change replaces threonine, which is neutral and polar, with alanine, which is neutral and non-polar, at codon 11 of the QARS protein (p.Thr11Ala).

NM_005051.3(QARS1):c.31A>G (p.Thr11Ala)

Genes: QARS1 (glutaminyl-tRNA synthetase 1; minus strand), LOC129936736 (ATAC-STARR-seq lymphoblastoid active region 19853; plus strand). Cytogenetic location: 3p21.31.
Variant type: single nucleotide variant.
Coding change: c.31A>G on transcript NM_005051.3 (MANE Select); coding-DNA position 31, A replaced by G.
Protein change: p.Thr11Ala; replaces threonine 11 with alanine.
Molecular consequence: missense variant. On other transcripts: non-coding transcript variant (1).
Genome position (GRCh38, 1-based): chr3:49,104,703, T>C on the plus strand (A>G on the coding strand, the complement: QARS1 is on the minus strand). VCF-style: chr3-49104703-T-C. GRCh37 (hg19) VCF-style: chr3-49142136-T-C.
Other names: c.31A>G, p.Thr11Ala (NM_001272073.2); short protein forms T11A.
Identifiers: ClinVar variation 1465113 (VCV001465113.6), dbSNP rs2042517964, ClinGen allele CA352724204.
Genomic context (GRCh38, chr3:49,104,703, plus strand): 5'-CGCTCAGAGCCGAGTTCTTGAGCGTCTCGCGGGCCTTCTGCTCGCTCAGGCCGAGGCTAG[T>C]GAAGAGCGACAGGGAGTCTAGAGCCGCCATTGCAGAGACACCGGAAACTAAAAGAAACTT-3'
Protein context (NP_005042.1, residues 1-21): MAALDSLSLF[Thr11Ala]SLGLSEQKAR